The following is an entry in ClinVar:

NM_033380.3(COL4A5):c.4061_4062delinsAT (p.Gly1354Asp)

Gene: COL4A5 (collagen type IV alpha 5 chain; plus strand). Cytogenetic location: Xq22.3.
Variant type: Indel.
Coding change: c.4061_4062delinsAT on transcript NM_033380.3 (MANE Select); coding-DNA positions 4061 to 4062, GG replaced by AT.
Protein change: p.Gly1354Asp; replaces glycine 1354 with aspartic acid.
Molecular consequence: missense variant.
Genome position (GRCh38, 1-based): chrX:108,680,930-108,680,931, GG replaced by AT. VCF-style: chrX-108680930-GG-AT. GRCh37 (hg19) VCF-style: chrX-107924160-GG-AT.
Other names: c.4043_4044delinsAT, p.Gly1348Asp (NM_000495.5); short protein forms G1348D, G1354D.
Identifiers: ClinVar variation 3066320 (VCV003066320.1), dbSNP rs2524613345, ClinGen allele CA2740097970.

ClinVar aggregate classification (germline): Likely pathogenic (1 of 4 stars; one submission).

Conditions:
X-linked Alport syndrome (ATS1). Also called: COL4A5-Related Nephropathy; NEPHROPATHY AND DEAFNESS, X-LINKED. Identifiers: Orphanet 63, Orphanet 88917, MedGen C4746986, MONDO:0010520, OMIM 301050.

Submission:

MVZ Medizinische Genetik Mainz
Classification: Likely pathogenic for X-linked Alport syndrome. Last evaluated: 2022-07-19. Review status: criteria provided, single submitter. Criteria: UK Practice Guidelines For Variant Classification V4 01 2020. Collection method: clinical testing. Allele origin: germline. Inheritance: X-linked dominant inheritance. Observed: 1 variant allele.
Comment: ACMG Criteria: PM1_STR, PM2_SUP, PP3, PP4